The following is an entry in ClinVar:

ClinVar aggregate classification (germline): Conflicting classifications of pathogenicity. Review status: criteria provided, conflicting classifications (1 of 4 stars). 3 submissions from 3 submitters: Uncertain significance (2); Likely benign (1). Last evaluated 2025-10-29.

Conditions:
Hereditary hemorrhagic telangiectasia (HHT). Also called: ORW DISEASE; Osler Weber Rendu syndrome; OSLER-RENDU-WEBER DISEASE; Osler hemorrhagic telangiectasia syndrome. Identifiers: Orphanet 774, MedGen C0039445, MONDO:0019180. Disease mechanism: loss of function.
Telangiectasia, hereditary hemorrhagic, type 1 (HHT1). Also called: Osler Weber Rendu syndrome type 1; ENG-Related Hereditary Hemorrhagic Telangiectasia. Identifiers: Orphanet 774, MedGen C4551861, MONDO:0008535, OMIM 187300. Disease mechanism: loss of function.

Allele frequency attached by ClinVar (database versions not stated): ESP Exome Variant Server 0.00008; TOPMed 0.00002.

Submissions (3):

Labcorp Genetics (formerly Invitae), Labcorp
Classification: Uncertain significance for Hereditary hemorrhagic telangiectasia. Last evaluated: 2025-10-29. Review status: criteria provided, single submitter. Criteria: Invitae Variant Classification Sherloc (09022015). Collection method: clinical testing. Allele origin: germline.
Comment: This sequence change replaces proline, which is neutral and non-polar, with serine, which is neutral and polar, at codon 256 of the ENG protein (p.Pro256Ser). This variant is present in population databases (rs143779963, gnomAD 0.01%). This missense change has been observed in individual(s) with pulmonary arterial hypertension (PMID: 29743074). ClinVar contains an entry for this variant (Variation ID: 912317). Invitae Evidence Modeling of protein sequence and biophysical properties (such as structural, functional, and spatial information, amino acid conservation, physicochemical variation, residue mobility, and thermodynamic stability) has been performed for this missense variant. However, the output from this modeling did not meet the statistical confidence thresholds required to predict the impact of this variant on ENG protein function. In summary, the available evidence is currently insufficient to determine the role of this variant in disease. Therefore, it has been classified as a Variant of Uncertain Significance.

Blueprint Genetics
Classification: Likely benign. Last evaluated: 2022-01-31. Review status: criteria provided, single submitter. Criteria: ACMG Guidelines, 2015. Collection method: clinical testing. Allele origin: germline.

Illumina Laboratory Services, Illumina
Classification: Uncertain significance for Telangiectasia, hereditary hemorrhagic, type 1. Last evaluated: 2018-01-12. Review status: criteria provided, single submitter. Criteria: ICSL Variant Classification Criteria 13 December 2019. Collection method: clinical testing. Allele origin: germline.

Literature cited by the submitters: PubMed 29743074 (cited by Labcorp Genetics (formerly Invitae), Labcorp).

NM_001114753.3(ENG):c.766C>T (p.Pro256Ser)

Gene: ENG (endoglin; minus strand). Cytogenetic location: 9q34.11.
Variant type: single nucleotide variant.
Coding change: c.766C>T on transcript NM_001114753.3 (MANE Select); coding-DNA position 766, C replaced by T.
Protein change: p.Pro256Ser; replaces proline 256 with serine.
Molecular consequence: missense variant.
Genome position (GRCh38, 1-based): chr9:127,825,281, G>A on the plus strand (C>T on the coding strand, the complement: ENG is on the minus strand). VCF-style: chr9-127825281-G-A. GRCh37 (hg19) VCF-style: chr9-130587560-G-A.
Other names: c.766C>T, p.Pro256Ser (NM_000118.4, NM_001406715.1); c.220C>T, p.Pro74Ser (NM_001278138.2); short protein forms P256S, P74S.
Identifiers: ClinVar variation 912317 (VCV000912317.10), dbSNP rs143779963, ClinGen allele CA5252990.
Genomic context (GRCh38, chr9:127,825,281, plus strand): 5'-CACAACTCACCCAGATCTGCATGTTGTGGTTGGCGTCGATGAGCCAGGACACGTAGGGGG[G>A]ACCCTGCAGGATGAGGACGGCATCGAGATCCCCGGGTGCGCAGCTCAGTTCCACCTTCAC-3'
Protein context (NP_001108225.1, residues 246-266): DLDAVLILQG[Pro256Ser]PYVSWLIDAN